The following is an entry in ClinVar:

ClinVar aggregate classification (germline): Uncertain significance (1 of 4 stars; one submission).

gnomAD v4.1: 2 of 1,613,416 alleles (0.00012%); highest among the groups gnomAD compares: East Asian, 0.0022%; no homozygotes.

Submission:

Ambry Genetics
Classification: Uncertain significance. Last evaluated: 2026-05-05. Review status: criteria provided, single submitter. Criteria: Ambry Variant Classification Scheme 2023. Collection method: clinical testing. Allele origin: germline.
Comment: The c.12143T>G (p.F4048C) alteration is located in exon 70 (coding exon 70) of the DNAH10 gene. This alteration results from a T to G substitution at nucleotide position 12143, causing the phenylalanine (F) at amino acid position 4048 to be replaced by a cysteine (C). Based on data from gnomAD, the G allele has an overall frequency of <0.001% (1/247668) total alleles studied. The highest observed frequency was 0.003% (1/30214) of South Asian alleles. Based on insufficient or conflicting evidence, the clinical significance of this alteration remains unclear.

NM_001372106.1(DNAH10):c.12497T>G (p.Phe4166Cys)

Genes: DNAH10 (dynein axonemal heavy chain 10; plus strand), DNAH10OS (dynein axonemal heavy chain 10 opposite strand; minus strand). Cytogenetic location: 12q24.31.
Variant type: single nucleotide variant.
Coding change: c.12497T>G on transcript NM_001372106.1 (MANE Select); coding-DNA position 12497, T replaced by G.
Protein change: p.Phe4166Cys; replaces phenylalanine 4166 with cysteine.
Molecular consequence: missense variant.
Genome position (GRCh38, 1-based): chr12:123,929,465, T>G. VCF-style: chr12-123929465-T-G. GRCh37 (hg19) VCF-style: chr12-124414012-T-G.
Other names: c.12143T>G, p.Phe4048Cys (NM_207437.3); short protein forms F4048C, F4166C.
Identifiers: ClinVar variation 4869915 (VCV004869915.1).